The following is an entry in ClinVar:

NM_000051.4(ATM):c.1599A>G (p.Arg533=)

Gene: ATM (ATM serine/threonine kinase; plus strand). Cytogenetic location: 11q22.3.
Variant type: single nucleotide variant.
Coding change: c.1599A>G on transcript NM_000051.4 (MANE Select); coding-DNA position 1599, A replaced by G.
Protein change: p.Arg533=; no amino-acid change (arginine 533 retained).
Molecular consequence: synonymous variant.
Genome position (GRCh38, 1-based): chr11:108,251,064, A>G. VCF-style: chr11-108251064-A-G. GRCh37 (hg19) VCF-style: chr11-108121791-A-G.
Other names: c.1599A>G, p.Arg533= (NM_001351834.2).
Identifiers: ClinVar variation 490424 (VCV000490424.8), dbSNP rs1555071269, ClinGen allele CA476744946.

ClinVar aggregate classification (germline): Benign/Likely benign. Review status: criteria provided, multiple submitters, no conflicts (2 of 4 stars). 4 submissions from 4 submitters: Benign (1); Likely benign (3). Last evaluated 2024-11-25.

Conditions:
Hereditary cancer-predisposing syndrome. Also called: Tumor predisposition; Neoplastic Syndromes, Hereditary; Hereditary Cancer Syndrome; Hereditary neoplastic syndrome. Identifiers: Orphanet 140162, MedGen C0027672, MeSH D009386, MONDO:0015356.
Familial cancer of breast. Also called: BREAST CANCER, FAMILIAL; hereditary breast carcinoma; Hereditary breast cancer. Identifiers: Orphanet 227535, MedGen C0346153, MONDO:0016419, OMIM 114480. Disease mechanism: loss of function.
Ataxia-telangiectasia syndrome (AT). Also called: Ataxia-telangiectasia; Ataxia-telangiectasia, complementation group D; AT, COMPLEMENTATION GROUP C; LOUIS-BAR SYNDROME; Cerebello-oculocutaneous telangiectasia; Immunodeficiency with ataxia telangiectasia. Identifiers: Orphanet 100, MedGen C0004135, MONDO:0008840, OMIM 208900.

Submissions (4):

Ambry Genetics
Classification: Likely benign for Hereditary cancer-predisposing syndrome. Last evaluated: 2024-11-25. Review status: criteria provided, single submitter. Criteria: Ambry Variant Classification Scheme 2023. Collection method: clinical testing. Allele origin: germline.

Myriad Genetics, Inc.
Classification: Benign for Familial cancer of breast. Last evaluated: 2024-04-30. Review status: criteria provided, single submitter. Criteria: Myriad Autosomal Dominant, Autosomal Recessive and X-Linked Classification Criteria (2023). Collection method: clinical testing. Allele origin: unknown.
Comment: This variant is considered benign. This variant is a silent/synonymous amino acid change and it is not expected to impact splicing.

Labcorp Genetics (formerly Invitae), Labcorp
Classification: Likely benign for Ataxia-telangiectasia syndrome. Last evaluated: 2023-02-11. Review status: criteria provided, single submitter. Criteria: Invitae Variant Classification Sherloc (09022015). Collection method: clinical testing. Allele origin: germline.

Color Diagnostics, LLC DBA Color Health
Classification: Likely benign for Hereditary cancer-predisposing syndrome. Last evaluated: 2017-06-06. Review status: criteria provided, single submitter. Criteria: ACMG Guidelines, 2015. Collection method: clinical testing. Allele origin: germline.